The following is an entry in ClinVar:

NM_024496.4(IRF2BPL):c.-338C>T

Genes: IRF2BPL (interferon regulatory factor 2 binding protein like; minus strand), LOC107984638 (uncharacterized LOC107984638; plus strand), LOC130056160 (ATAC-STARR-seq lymphoblastoid silent region 5961; plus strand). Cytogenetic location: 14q24.3.
Variant type: single nucleotide variant.
Coding change: c.-338C>T on transcript NM_024496.4 (MANE Select); 338 bases upstream of the start codon, C replaced by T.
Molecular consequence: 5 prime UTR variant.
Genome position (GRCh38, 1-based): chr14:77,028,130, G>A on the plus strand (C>T on the coding strand, the complement: IRF2BPL is on the minus strand). VCF-style: chr14-77028130-G-A. GRCh37 (hg19) VCF-style: chr14-77494473-G-A.
Identifiers: ClinVar variation 2429014 (VCV002429014.4), dbSNP rs1044913583, ClinGen allele CA263780203.

ClinVar aggregate classification (germline): Uncertain significance (1 of 4 stars; one submission).

Submission:

Greenwood Genetic Center Diagnostic Laboratories, Greenwood Genetic Center
Classification: Uncertain significance. Last evaluated: 2022-12-05. Review status: criteria provided, single submitter. Criteria: ACMG Guidelines, 2015. Collection method: clinical testing. Allele origin: germline. Affected: yes.
Comment: PM2